The following is an entry in ClinVar:

NM_012123.4(MTO1):c.553T>C (p.Tyr185His)

Gene: MTO1 (mitochondrial tRNA translation optimization 1; plus strand). Cytogenetic location: 6q13.
Variant type: single nucleotide variant.
Coding change: c.553T>C on transcript NM_012123.4 (MANE Select); coding-DNA position 553, T replaced by C.
Protein change: p.Tyr185His; replaces tyrosine 185 with histidine.
Molecular consequence: missense variant.
Genome position (GRCh38, 1-based): chr6:73,473,382, T>C. VCF-style: chr6-73473382-T-C. GRCh37 (hg19) VCF-style: chr6-74183105-T-C.
Other names: c.553T>C, p.Tyr185His (NM_001123226.2, NM_133645.3); short protein forms Y185H.
Identifiers: ClinVar variation 1495177 (VCV001495177.6), dbSNP rs772474195, ClinGen allele CA3889396.

ClinVar aggregate classification (germline): Uncertain significance (1 of 4 stars; one submission).

Conditions:
Mitochondrial hypertrophic cardiomyopathy with lactic acidosis due to MTO1 deficiency. Also called: CARDIOMYOPATHY, INFANTILE HYPERTROPHIC MITOCHONDRIAL, AND LACTIC ACIDOSIS; Combined oxidative phosphorylation deficiency 10. Identifiers: Orphanet 314637, MedGen C4749921, MONDO:0013865, OMIM 614702.

Allele frequency attached by ClinVar (database versions not stated): gnomAD exomes 0.00001 and 0.00002; ExAC 0.00002.

Submission:

Labcorp Genetics (formerly Invitae), Labcorp
Classification: Uncertain significance for Mitochondrial hypertrophic cardiomyopathy with lactic acidosis due to MTO1 deficiency. Last evaluated: 2021-09-14. Review status: criteria provided, single submitter. Criteria: Invitae Variant Classification Sherloc (09022015). Collection method: clinical testing. Allele origin: germline.
Comment: In summary, the available evidence is currently insufficient to determine the role of this variant in disease. Therefore, it has been classified as a Variant of Uncertain Significance. Algorithms developed to predict the effect of missense changes on protein structure and function output the following: SIFT: "Tolerated"; PolyPhen-2: "Benign"; Align-GVGD: "Class C0". The histidine amino acid residue is found in multiple mammalian species, which suggests that this missense change does not adversely affect protein function. This variant has not been reported in the literature in individuals affected with MTO1-related conditions. This variant is present in population databases (rs772474195, ExAC 0.01%). This sequence change replaces tyrosine with histidine at codon 185 of the MTO1 protein (p.Tyr185His). The tyrosine residue is weakly conserved and there is a moderate physicochemical difference between tyrosine and histidine.